The following is an entry in ClinVar:

NM_014285.7(EXOSC2):c.332C>T (p.Ser111Leu)

Gene: EXOSC2 (exosome component 2; plus strand). Cytogenetic location: 9q34.12.
Variant type: single nucleotide variant.
Coding change: c.332C>T on transcript NM_014285.7 (MANE Select); coding-DNA position 332, C replaced by T.
Protein change: p.Ser111Leu; replaces serine 111 with leucine.
Molecular consequence: missense variant. On other transcripts: non-coding transcript variant (1), intron variant (1).
Genome position (GRCh38, 1-based): chr9:130,698,223, C>T. VCF-style: chr9-130698223-C-T. GRCh37 (hg19) VCF-style: chr9-133573610-C-T.
Other names: c.332C>T, p.Ser111Leu (NM_001282708.1); c.270+596C>T (NM_001282709.1); c.332C>T (NM_014285.5); short protein forms S111L.
Identifiers: ClinVar variation 844734 (VCV000844734.9), dbSNP rs1208316253, ClinGen allele CA375247389.
Genomic context (GRCh38, chr9:130,698,223, plus strand): 5'-TTCAACAGAAGAGGTGGAAGGTGGAGACCAACTCCAGGCTGGATTCGGTCTTGCTGCTCT[C>T]GTCCATGAACCTTCCTGGAGGAGAGCTGGTAAGGGCTACAGCTGGGGCCATGGACTAGGG-3'
Protein context (NP_055100.2, residues 101-121): NSRLDSVLLL[Ser111Leu]SMNLPGGELR

ClinVar aggregate classification (germline): Uncertain significance. Review status: criteria provided, multiple submitters, no conflicts (2 of 4 stars). 2 submissions from 2 submitters: Uncertain significance (2). Last evaluated 2025-05-05.

Allele frequency attached by ClinVar (database versions not stated): gnomAD exomes below 0.00001 and 0.00001.
gnomAD v4.1: 7 of 1,614,126 alleles (0.00043%); highest among the groups gnomAD compares: Non-Finnish European, 0.00051%; no homozygotes.

Submissions (2):

Labcorp Genetics (formerly Invitae), Labcorp
Classification: Uncertain significance. Last evaluated: 2025-05-05. Review status: criteria provided, single submitter. Criteria: Invitae Variant Classification Sherloc (09022015). Collection method: clinical testing. Allele origin: germline.
Comment: This sequence change replaces serine, which is neutral and polar, with leucine, which is neutral and non-polar, at codon 111 of the EXOSC2 protein (p.Ser111Leu). This variant is present in population databases (no rsID available, gnomAD 0.002%). This variant has not been reported in the literature in individuals affected with EXOSC2-related conditions. ClinVar contains an entry for this variant (Variation ID: 844734). Invitae Evidence Modeling of protein sequence and biophysical properties (such as structural, functional, and spatial information, amino acid conservation, physicochemical variation, residue mobility, and thermodynamic stability) indicates that this missense variant is not expected to disrupt EXOSC2 protein function with a negative predictive value of 80%. In summary, the available evidence is currently insufficient to determine the role of this variant in disease. Therefore, it has been classified as a Variant of Uncertain Significance.

Ambry Genetics
Classification: Uncertain significance. Last evaluated: 2025-04-09. Review status: criteria provided, single submitter. Criteria: Ambry Variant Classification Scheme 2023. Collection method: clinical testing. Allele origin: germline.